The following is an entry in ClinVar:

ClinVar aggregate classification (germline): Uncertain significance (1 of 4 stars; one submission).

Conditions:
Familial thoracic aortic aneurysm and aortic dissection (TAAD). Also called: Thoracic aortic aneurysms and dissections. Identifiers: Orphanet 91387, MedGen C4707243, MONDO:0019625.

Submission:

Ambry Genetics
Classification: Uncertain significance for Familial thoracic aortic aneurysm and aortic dissection. Last evaluated: 2023-07-03. Review status: criteria provided, single submitter. Criteria: Ambry Variant Classification Scheme 2023. Collection method: clinical testing. Allele origin: germline.
Comment: The p.L146I variant (also known as c.436C>A), located in coding exon 2 of the TGFB3 gene, results from a C to A substitution at nucleotide position 436. The leucine at codon 146 is replaced by isoleucine, an amino acid with highly similar properties. This amino acid position is conserved. In addition, the in silico prediction for this alteration is inconclusive. Since supporting evidence is limited at this time, the clinical significance of this alteration remains unclear.

NM_003239.5(TGFB3):c.436C>A (p.Leu146Ile)

Gene: TGFB3 (transforming growth factor beta 3; minus strand). Cytogenetic location: 14q24.3.
Variant type: single nucleotide variant.
Coding change: c.436C>A on transcript NM_003239.5 (MANE Select); coding-DNA position 436, C replaced by A.
Protein change: p.Leu146Ile; replaces leucine 146 with isoleucine.
Molecular consequence: missense variant.
Genome position (GRCh38, 1-based): chr14:75,971,635, G>T on the plus strand (C>A on the coding strand, the complement: TGFB3 is on the minus strand). VCF-style: chr14-75971635-G-T. GRCh37 (hg19) VCF-style: chr14-76437978-G-T.
Other names: c.436C>A, p.Leu146Ile (NM_001329938.2, NM_001329939.2); short protein forms L146I.
Identifiers: ClinVar variation 2586724 (VCV002586724.2), dbSNP rs2504111935, ClinGen allele CA390470103.